The following is an entry in ClinVar:

ClinVar aggregate classification (germline): Uncertain significance (1 of 4 stars; one submission).

Conditions:
MCPH1-related disorder. Also called: MCPH1-related condition.

gnomAD v4.1: 6 of 1,608,876 alleles (0.00037%); highest among the groups gnomAD compares: African/African-American, 0.0067%; no homozygotes.

Submission:

PreventionGenetics, part of Exact Sciences
Classification: Uncertain significance for MCPH1-related condition. Last evaluated: 2026-06-22. Review status: criteria provided, single submitter. Criteria: ACMG Guidelines, 2015. Collection method: clinical testing. Allele origin: germline.
Comment: The MCPH1 c.490C>T variant is predicted to result in the amino acid substitution p.Pro164Ser. To our knowledge, this variant has not been reported in the literature. This variant is reported in 0.0065% of alleles in individuals of African descent in gnomAD. At this time, the clinical significance of this variant is uncertain due to the absence of conclusive functional and genetic evidence.

NM_024596.5(MCPH1):c.490C>T (p.Pro164Ser)

Gene: MCPH1 (microcephalin 1; plus strand). Cytogenetic location: 8p23.1.
Variant type: single nucleotide variant.
Coding change: c.490C>T on transcript NM_024596.5 (MANE Select); coding-DNA position 490, C replaced by T.
Protein change: p.Pro164Ser; replaces proline 164 with serine.
Molecular consequence: missense variant. On other transcripts: non-coding transcript variant (1), intron variant (1).
Genome position (GRCh38, 1-based): chr8:6,439,006, C>T. VCF-style: chr8-6439006-C-T. GRCh37 (hg19) VCF-style: chr8-6296527-C-T.
Other names: c.490C>T, p.Pro164Ser (NM_001172574.2, NM_001322042.2, NM_001363979.1 and 3 more transcripts); c.484C>T, p.Pro162Ser (NM_001322043.2); c.388C>T, p.Pro130Ser (NM_001322045.2); c.436+2844C>T (NM_001172575.2); short protein forms P162S, P130S, P164S.
Identifiers: ClinVar variation 4986534 (VCV004986534.1).